The following is an entry in ClinVar:

ClinVar aggregate classification (germline): Pathogenic. Review status: criteria provided, multiple submitters, no conflicts (2 of 4 stars). 3 submissions from 3 submitters: Pathogenic (3). Last evaluated 2026-03-17.

Conditions:
Cardiovascular phenotype. Identifiers: MedGen CN230736.
Hypertrophic cardiomyopathy. Also called: HYPERTROPHIC MYOCARDIOPATHY. Identifiers: Orphanet 217569, MedGen C0007194, MeSH D002312, MONDO:0005045, HP:0001639.

Submissions (3):

Ambry Genetics
Classification: Pathogenic for Cardiovascular phenotype. Last evaluated: 2026-03-17. Review status: criteria provided, single submitter. Criteria: Ambry Variant Classification Scheme 2023. Collection method: clinical testing. Allele origin: germline.
Comment: The c.1330delA pathogenic mutation, located in coding exon 15 of the MYBPC3 gene, results from a deletion of one nucleotide at nucleotide position 1330, causing a translational frameshift with a predicted alternate stop codon (p.S444Afs*6). This variant is considered to be rare based on population cohorts in the Genome Aggregation Database (gnomAD). This alteration is expected to result in loss of function by premature protein truncation or nonsense-mediated mRNA decay. As such, this alteration is interpreted as a disease-causing mutation.

Labcorp Genetics (formerly Invitae), Labcorp
Classification: Pathogenic for Hypertrophic cardiomyopathy. Last evaluated: 2024-04-29. Review status: criteria provided, single submitter. Criteria: Invitae Variant Classification Sherloc (09022015). Collection method: clinical testing. Allele origin: germline.
Comment: This sequence change creates a premature translational stop signal (p.Ser444Alafs*6) in the MYBPC3 gene. It is expected to result in an absent or disrupted protein product. Loss-of-function variants in MYBPC3 are known to be pathogenic (PMID: 19574547). This variant is not present in population databases (gnomAD no frequency). This premature translational stop signal has been observed in individual(s) with clinical features of MYBPC3-related conditions (PMID: 31737537). ClinVar contains an entry for this variant (Variation ID: 179821). For these reasons, this variant has been classified as Pathogenic.

Laboratory for Molecular Medicine, Mass General Brigham Personalized Medicine
Classification: Pathogenic for Hypertrophic cardiomyopathy. Last evaluated: 2014-06-17. Review status: criteria provided, single submitter. Criteria: LMM Criteria. Collection method: clinical testing. Allele origin: germline. Inheritance: Autosomal dominant inheritance. Observed: 1 variant allele.
Comment: The Ser444fs variant in MYBPC3 has not been previously reported in individuals w ith cardiomyopathy or in large population studies. This frameshift variant is pr edicted to alter the protein?s amino acid sequence beginning at position 444 and lead to a premature termination codon 6 amino acids downstream. This alteration is then predicted to lead to a truncated or absent protein. Heterozygous loss o f function of the MYBPC3 gene is an established disease mechanism in HCM. In sum mary, this variant meets our criteria to be classified as pathogenic based upon the predicted impact of the variant.

Literature cited by the submitters: PubMed 19574547 (cited by Labcorp Genetics (formerly Invitae), Labcorp); PubMed 31737537 (cited by Labcorp Genetics (formerly Invitae), Labcorp).

NM_000256.3(MYBPC3):c.1330del (p.Ser444fs)

Gene: MYBPC3 (myosin binding protein C3; minus strand). Cytogenetic location: 11p11.2.
Variant type: Deletion.
Coding change: c.1330del on transcript NM_000256.3 (MANE Select); coding-DNA position 1330, one base deleted (A; older notation c.1330delA).
Protein change: p.Ser444fs; shifts the reading frame from serine 444.
Molecular consequence: frameshift variant.
Genome position (GRCh38, 1-based): chr11:47,343,042, T deleted on the plus strand (A on the coding strand, the reverse complement: MYBPC3 is on the minus strand). VCF-style (leftmost placement, unchanged base first): chr11-47343041-CT-C. GRCh37 (hg19) VCF-style: chr11-47364592-CT-C.
Other names: c.1330delA (NM_000256.3); c.1330del, p.Ser444fs (LRG_386t1); short protein forms S444fs.
Identifiers: ClinVar variation 179821 (VCV000179821.10), dbSNP rs727505152, ClinGen allele CA010115.